The following is an entry in ClinVar:

ClinVar aggregate classification (germline): Pathogenic (1 of 4 stars; one submission).

Conditions:
Osteogenesis imperfecta type I (OI1). Also called: Lobstein disease; Osteogenesis imperfecta type 1; OI, TYPE I; OSTEOGENESIS IMPERFECTA TARDA; OSTEOGENESIS IMPERFECTA WITH BLUE SCLERAE; Lobstein's Disease. Identifiers: Orphanet 216796, Orphanet 666, MedGen C0023931, MONDO:0008146, OMIM 166200. Disease mechanism: loss of function.

Submission:

Labcorp Genetics (formerly Invitae), Labcorp
Classification: Pathogenic for Osteogenesis imperfecta type I. Last evaluated: 2018-01-10. Review status: criteria provided, single submitter. Criteria: Invitae Variant Classification Sherloc (09022015). Collection method: clinical testing. Allele origin: germline.
Comment: This variant has not been reported in the literature in individuals with COL1A1-related disease. This variant is not present in population databases (ExAC no frequency). This sequence change creates a premature translational stop signal (p.Asp71Glufs*2) in the COL1A1 gene. It is expected to result in an absent or disrupted protein product. Loss-of-function variants in COL1A1 are known to be pathogenic (PMID: 7942841, 9295084, 9443882). For these reasons, this variant has been classified as Pathogenic.

Literature cited by the submitters: PubMed 7942841; PubMed 9295084; PubMed 9443882.

NM_000088.4(COL1A1):c.212dup (p.Asp71fs)

Gene: COL1A1 (collagen type I alpha 1 chain; minus strand). Cytogenetic location: 17q21.33.
Variant type: Duplication.
Coding change: c.212dup on transcript NM_000088.4 (MANE Select); coding-DNA position 212, one base duplicated (A; older notation c.212dupA).
Protein change: p.Asp71fs; shifts the reading frame from aspartic acid 71.
Molecular consequence: frameshift variant.
Genome position (GRCh38, 1-based): chr17:50,199,839, T duplicated on the plus strand (A on the coding strand, the reverse complement: COL1A1 is on the minus strand). VCF-style (leftmost placement, unchanged base first): chr17-50199838-A-AT. GRCh37 (hg19) VCF-style: chr17-48277199-A-AT.
Other names: c.212dupA (NM_000088.3); short protein forms D71fs.
Identifiers: ClinVar variation 577705 (VCV000577705.7), dbSNP rs1567764832, ClinGen allele CA891843720.